The following is an entry in ClinVar:

NM_001378477.3(NYX):c.604_612dup (p.Arg202_Arg204dup)

Gene: NYX (nyctalopin; plus strand). Cytogenetic location: Xp11.4.
Variant type: Duplication.
Coding change: c.604_612dup on transcript NM_001378477.3 (MANE Select); coding-DNA positions 604 to 612, 9 bases duplicated (CGCCTGCGC; older notation c.604_612dupCGCCTGCGC).
Protein change: p.Arg202_Arg204dup.
Molecular consequence: inframe insertion.
Genome position (GRCh38, 1-based): chrX:41,474,072-41,474,080, CGCCTGCGC duplicated; duplicating any 9 consecutive bases within chrX:41,474,064-41,474,080 gives the same sequence; the c. name uses the placement nearest the transcript's 3' end. VCF-style (leftmost placement, unchanged base first): chrX-41474063-G-GGCCTGCGCC. GRCh37 (hg19) VCF-style: chrX-41333316-G-GGCCTGCGCC.
Other names: c.619_627dupCGCCTGCGC (NM_022567.2); c.604_612dup, p.Arg202_Arg204dup (NM_022567.3).
Identifiers: ClinVar variation 931985 (VCV000931985.12), dbSNP rs2064376509, ClinGen allele CA1139667470.

ClinVar aggregate classification (germline): Conflicting classifications of pathogenicity. Review status: criteria provided, conflicting classifications (1 of 4 stars). 2 submissions from 2 submitters: Likely pathogenic (1); Uncertain significance (1). Last evaluated 2024-10-03.

Conditions:
Congenital stationary night blindness 1A (CSNB1A). Also called: HEMERALOPIA-MYOPIA; MYOPIA-NIGHT BLINDNESS; NIGHT BLINDNESS, CONGENITAL STATIONARY, WITH MYOPIA; CSNB, COMPLETE, X-LINKED; Night blindness, congenital stationary (complete), 1A, X-linked; NYX-Related X-Linked Congenital Stationary Night Blindness. Identifiers: Orphanet 215, MedGen C3495587, MONDO:0010690, OMIM 310500.

Submissions (2):

Labcorp Genetics (formerly Invitae), Labcorp
Classification: Uncertain significance. Last evaluated: 2024-10-03. Review status: criteria provided, single submitter. Criteria: Invitae Variant Classification Sherloc (09022015). Collection method: clinical testing. Allele origin: germline.
Comment: This variant, c.619_627dup, results in the insertion of 3 amino acid(s) of the NYX protein (p.Arg207_Arg209dup), but otherwise preserves the integrity of the reading frame. This variant is not present in population databases (gnomAD no frequency). This variant has been observed in individual(s) with congenital stationary night blindness (PMID: 11062472). ClinVar contains an entry for this variant (Variation ID: 931985). Experimental studies and prediction algorithms are not available or were not evaluated, and the functional significance of this variant is currently unknown. In summary, the available evidence is currently insufficient to determine the role of this variant in disease. Therefore, it has been classified as a Variant of Uncertain Significance.

Centre for Mendelian Genomics, University Medical Centre Ljubljana
Classification: Likely pathogenic for Congenital stationary night blindness 1A. Last evaluated: 2016-01-01. Review status: criteria provided, single submitter. Criteria: ACMG Guidelines, 2015. Collection method: clinical testing. Allele origin: unknown. Affected: yes.
Comment: This variant was classified as: Likely pathogenic. The following ACMG criteria were applied in classifying this variant: PM1,PM2,PM4,PP2,PP4. This variant was detected in hemizygous state.

Literature cited by the submitters: PubMed 11062472 (cited by Labcorp Genetics (formerly Invitae), Labcorp).